The following is an entry in ClinVar:

ClinVar aggregate classification (germline): Uncertain significance (1 of 4 stars; one submission).

Conditions:
LAMA2-related muscular dystrophy (LAMA2-RD). Also called: Laminin alpha 2-related dystrophy. Identifiers: MedGen C5679788, MONDO:0100228.

Allele frequency attached by ClinVar (database versions not stated): gnomAD exomes below 0.00001; TOPMed below 0.00001; ESP Exome Variant Server 0.00008.
gnomAD v4.1: 5 of 1,613,464 alleles (0.00031%); highest among the groups gnomAD compares: Non-Finnish European, 0.00042%; no homozygotes.

Submission:

Labcorp Genetics (formerly Invitae), Labcorp
Classification: Uncertain significance for LAMA2-related muscular dystrophy. Last evaluated: 2021-08-28. Review status: criteria provided, single submitter. Criteria: Invitae Variant Classification Sherloc (09022015). Collection method: clinical testing. Allele origin: germline.
Comment: This sequence change replaces tryptophan with arginine at codon 532 of the LAMA2 protein (p.Trp532Arg). The tryptophan residue is weakly conserved and there is a moderate physicochemical difference between tryptophan and arginine. This variant is not present in population databases (ExAC no frequency). This variant has not been reported in the literature in individuals affected with LAMA2-related conditions. Algorithms developed to predict the effect of missense changes on protein structure and function are either unavailable or do not agree on the potential impact of this missense change (SIFT: "Deleterious"; PolyPhen-2: "Possibly Damaging"; Align-GVGD: "Class C0"). In summary, the available evidence is currently insufficient to determine the role of this variant in disease. Therefore, it has been classified as a Variant of Uncertain Significance.

NM_000426.4(LAMA2):c.1594T>C (p.Trp532Arg)

Gene: LAMA2 (laminin subunit alpha 2; plus strand). Cytogenetic location: 6q22.33.
Variant type: single nucleotide variant.
Coding change: c.1594T>C on transcript NM_000426.4 (MANE Select); coding-DNA position 1594, T replaced by C.
Protein change: p.Trp532Arg; replaces tryptophan 532 with arginine.
Molecular consequence: missense variant.
Genome position (GRCh38, 1-based): chr6:129,190,331, T>C. VCF-style: chr6-129190331-T-C. GRCh37 (hg19) VCF-style: chr6-129511476-T-C.
Other names: c.1594T>C, p.Trp532Arg (NM_001079823.2); short protein forms W532R.
Identifiers: ClinVar variation 543869 (VCV000543869.3), dbSNP rs373100233, ClinGen allele CA146879831.